The following is an entry in ClinVar:

ClinVar aggregate classification (germline): Uncertain significance. Review status: criteria provided, multiple submitters, no conflicts (2 of 4 stars). 4 submissions from 4 submitters: Uncertain significance (4). Last evaluated 2025-08-28.

Conditions:
Hereditary cancer-predisposing syndrome. Also called: Hereditary Cancer Syndrome; Hereditary neoplastic syndrome; Neoplastic Syndromes, Hereditary; Tumor predisposition. Identifiers: Orphanet 140162, MedGen C0027672, MeSH D009386, MONDO:0015356.
Hereditary breast ovarian cancer syndrome. Also called: Hereditary breast and ovarian cancer; Breast and ovarian cancer; Hereditary breast and ovarian cancer syndrome; Hereditary breast and/or ovarian cancer syndrome; BRCA1- and BRCA2-Associated Hereditary Breast and Ovarian Cancer; Hereditary breast and ovarian cancer syndrome (HBOC). Identifiers: Orphanet 145, MedGen C0677776, MeSH D061325, MONDO:0003582. Disease mechanism: loss of function.
BRCA1-related cancer predisposition. Identifiers: MedGen CN377757, MONDO:0700268.

Submissions (4):

Labcorp Genetics (formerly Invitae), Labcorp
Classification: Uncertain significance for Hereditary breast ovarian cancer syndrome. Last evaluated: 2025-08-28. Review status: criteria provided, single submitter. Criteria: Invitae Variant Classification Sherloc (09022015). Collection method: clinical testing. Allele origin: germline.
Comment: This sequence change replaces leucine, which is neutral and non-polar, with proline, which is neutral and non-polar, at codon 1517 of the BRCA1 protein (p.Leu1517Pro). This variant is not present in population databases (gnomAD no frequency). This variant has not been reported in the literature in individuals affected with BRCA1-related conditions. ClinVar contains an entry for this variant (Variation ID: 441429). Invitae Evidence Modeling of protein sequence and biophysical properties (such as structural, functional, and spatial information, amino acid conservation, physicochemical variation, residue mobility, and thermodynamic stability) indicates that this missense variant is not expected to disrupt BRCA1 protein function with a negative predictive value of 95%. In summary, the available evidence is currently insufficient to determine the role of this variant in disease. Therefore, it has been classified as a Variant of Uncertain Significance.

Ambry Genetics
Classification: Uncertain significance for Hereditary cancer-predisposing syndrome. Last evaluated: 2025-05-18. Review status: criteria provided, single submitter. Criteria: Ambry Variant Classification Scheme 2023. Collection method: clinical testing. Allele origin: germline.
Comment: The p.L1517P variant (also known as c.4550T>C), located in coding exon 13 of the BRCA1 gene, results from a T to C substitution at nucleotide position 4550. The leucine at codon 1517 is replaced by proline, an amino acid with similar properties. This variant was identified in a cohort of 681 ancestrally diverse, healthy subjects (Bodian DL et al. PLoS One, 2014 Apr;9:e94554). This amino acid position is well conserved in available vertebrate species. In addition, the in silico prediction for this alteration is inconclusive. Since supporting evidence is limited at this time, the clinical significance of this alteration remains unclear.

All of Us Research Program, National Institutes of Health
Classification: Uncertain significance for BRCA1-related cancer predisposition. Last evaluated: 2024-07-20. Review status: criteria provided, single submitter. Criteria: ACMG Guidelines, 2015. Collection method: clinical testing. Allele origin: germline. Inheritance: Autosomal dominant inheritance. Observed: 2 variant alleles, 2 heterozygotes.
Comment: This missense variant replaces leucine with proline at codon 1517 of the BRCA1 protein. Computational prediction is inconclusive regarding the impact of this variant on protein structure and function (internally defined REVEL score threshold 0.5 < inconclusive < 0.7, PMID: 27666373). Splice site prediction tools suggest that this variant may not impact RNA splicing. To our knowledge, functional studies have not been performed for this variant. This variant has been reported in an individual affected with ovarian cancer (PMID: 30213835). This variant has not been identified in the general population by the Genome Aggregation Database (gnomAD). The available evidence is insufficient to determine the role of this variant in disease conclusively. Therefore, this variant is classified as a Variant of Uncertain Significance.

This study involves interpretation of variants in research participants for the purpose of population health screening. Participant phenotype was not available at the time of variant classification. Additional details can be found in publication PMID: 35346344, PMCID: PMC8962531

Color Diagnostics, LLC DBA Color Health
Classification: Uncertain significance for Hereditary cancer-predisposing syndrome. Last evaluated: 2024-07-10. Review status: criteria provided, single submitter. Criteria: ACMG Guidelines, 2015. Collection method: clinical testing. Allele origin: germline.
Comment: This missense variant replaces leucine with proline at codon 1517 of the BRCA1 protein. Computational prediction is inconclusive regarding the impact of this variant on protein structure and function. To our knowledge, functional studies have not been performed for this variant. This variant has been reported in an individual affected with ovarian cancer (PMID: 30213835). This variant has not been identified in the general population by the Genome Aggregation Database (gnomAD). The available evidence is insufficient to determine the role of this variant in disease conclusively. Therefore, this variant is classified as a Variant of Uncertain Significance.

Literature cited by the submitters: PubMed 24728327 (cited by Ambry Genetics); PubMed 30213835 (cited by All of Us Research Program, National Institutes of Health and Color Diagnostics, LLC DBA Color Health).

NM_007294.4(BRCA1):c.4550T>C (p.Leu1517Pro)

Gene: BRCA1 (BRCA1 DNA repair associated; minus strand). Cytogenetic location: 17q21.31.
Variant type: single nucleotide variant.
Coding change: c.4550T>C on transcript NM_007294.4 (MANE Select); coding-DNA position 4550, T replaced by C.
Protein change: p.Leu1517Pro; replaces leucine 1517 with proline.
Molecular consequence: missense variant. On other transcripts: non-coding transcript variant (1).
Genome position (GRCh38, 1-based): chr17:43,074,456, A>G on the plus strand (T>C on the coding strand, the complement: BRCA1 is on the minus strand). VCF-style: chr17-43074456-A-G. GRCh37 (hg19) VCF-style: chr17-41226473-A-G.
Other names: c.4283T>C, p.Leu1428Pro (NM_001407928.1, NM_001407930.1, NM_001407931.1 and 4 more transcripts); c.4472T>C, p.Leu1491Pro (NM_001407655.1, NM_001407653.1, NM_001407654.1); c.4469T>C, p.Leu1490Pro (NM_001407656.1, NM_001407657.1, NM_001407658.1); c.4466T>C, p.Leu1489Pro (NM_001407659.1, NM_001407661.1, NM_001407662.1 and 2 more transcripts); c.4427T>C, p.Leu1476Pro (NM_001407664.1, NM_001407665.1, NM_001407937.1 and 6 more transcripts); c.4280T>C, p.Leu1427Pro (NM_001407934.1, NM_001407935.1, NM_001407936.1); c.4334T>C, p.Leu1445Pro (NM_001407917.1, NM_001407918.1, NM_001407915.1 and 1 more transcripts); c.4286T>C, p.Leu1429Pro (NM_001407920.1, NM_001407921.1, NM_001407922.1 and 4 more transcripts); and 68 more; short protein forms L1517P, L1538P, L1470P, L413P, L1348P, L1404P, L1428P, L1445P.
Identifiers: ClinVar variation 441429 (VCV000441429.20), dbSNP rs1555581980, ClinGen allele CA10592415.